The following is an entry in ClinVar:

ClinVar aggregate classification (germline): Likely benign (1 of 4 stars; one submission).

Allele frequency attached by ClinVar (database versions not stated): TOPMed below 0.00001; gnomAD exomes 0.00001.
gnomAD v4.1: 4 of 672,274 alleles (0.00059%); highest among the groups gnomAD compares: Non-Finnish European, 0.001%; no homozygotes.

Submission:

GeneDx
Classification: Likely benign. Last evaluated: 2017-06-16. Review status: criteria provided, single submitter. Criteria: GeneDx Variant Classification (06012015). Collection method: clinical testing. Allele origin: germline. Affected: yes.
Comment: This variant is considered likely benign or benign based on one or more of the following criteria: it is a conservative change, it occurs at a poorly conserved position in the protein, it is predicted to be benign by multiple in silico algorithms, and/or has population frequency not consistent with disease.

NM_002693.3(POLG):c.-159-18A>G

Gene: POLG (DNA polymerase gamma, catalytic subunit; minus strand). Cytogenetic location: 15q26.1.
Variant type: single nucleotide variant.
Coding change: c.-159-18A>G on transcript NM_002693.3 (MANE Select); 18 bases into the intron before 159 bases upstream of the start codon, A replaced by G.
Molecular consequence: intron variant.
Genome position (GRCh38, 1-based): chr15:89,333,931, T>C on the plus strand (A>G on the coding strand, the complement: POLG is on the minus strand). VCF-style: chr15-89333931-T-C. GRCh37 (hg19) VCF-style: chr15-89877162-T-C.
Other names: c.-159-18A>G (NM_001126131.2).
Identifiers: ClinVar variation 510066 (VCV000510066.1), dbSNP rs1170795525, ClinGen allele CA658798422.